The following is an entry in ClinVar:

NM_206933.4(USH2A):c.13232T>C (p.Leu4411Pro)

Gene: USH2A (usherin; minus strand). Cytogenetic location: 1q41.
Variant type: single nucleotide variant.
Coding change: c.13232T>C on transcript NM_206933.4 (MANE Select); coding-DNA position 13232, T replaced by C.
Protein change: p.Leu4411Pro; replaces leucine 4411 with proline.
Molecular consequence: missense variant.
Genome position (GRCh38, 1-based): chr1:215,674,679, A>G on the plus strand (T>C on the coding strand, the complement: USH2A is on the minus strand). VCF-style: chr1-215674679-A-G. GRCh37 (hg19) VCF-style: chr1-215848021-A-G.
Other names: short protein forms L4411P.
Identifiers: ClinVar variation 1369979 (VCV001369979.3), dbSNP rs2102665605, ClinGen allele CA344846083.

ClinVar aggregate classification (germline): Uncertain significance (1 of 4 stars; one submission).

Submission:

Labcorp Genetics (formerly Invitae), Labcorp
Classification: Uncertain significance. Last evaluated: 2021-11-09. Review status: criteria provided, single submitter. Criteria: Invitae Variant Classification Sherloc (09022015). Collection method: clinical testing. Allele origin: germline.
Comment: This sequence change replaces leucine, which is neutral and non-polar, with proline, which is neutral and non-polar, at codon 4411 of the USH2A protein (p.Leu4411Pro). This variant is not present in population databases (gnomAD no frequency). This missense change has been observed in individual(s) with inherited retinal disease (PMID: 32037395). Algorithms developed to predict the effect of missense changes on protein structure and function (SIFT, PolyPhen-2, Align-GVGD) all suggest that this variant is likely to be disruptive. In summary, the available evidence is currently insufficient to determine the role of this variant in disease. Therefore, it has been classified as a Variant of Uncertain Significance.

Literature cited by the submitters: PubMed 32037395.